The following is an entry in ClinVar:

ClinVar aggregate classification (germline): Pathogenic (1 of 4 stars; one submission).

Conditions:
Osteogenesis imperfecta type I (OI1). Also called: Lobstein disease; Classic Non-deforming Osteogenesis Imperfecta with Blue Sclerae; OI, TYPE I; OSTEOGENESIS IMPERFECTA TARDA; OSTEOGENESIS IMPERFECTA WITH BLUE SCLERAE; Osteogenesis imperfecta type 1. Identifiers: Orphanet 216796, Orphanet 666, MedGen C0023931, MONDO:0008146, OMIM 166200. Disease mechanism: loss of function.

Submission:

Labcorp Genetics (formerly Invitae), Labcorp
Classification: Pathogenic for Osteogenesis imperfecta type I. Last evaluated: 2023-12-18. Review status: criteria provided, single submitter. Criteria: Invitae Variant Classification Sherloc (09022015). Collection method: clinical testing. Allele origin: germline.
Comment: This sequence change replaces glycine, which is neutral and non-polar, with aspartic acid, which is acidic and polar, at codon 209 of the COL1A1 protein (p.Gly209Asp). This variant is not present in population databases (gnomAD no frequency). This missense change has been observed in individual(s) with osteogenesis imperfecta (PMID: 24668929). ClinVar contains an entry for this variant (Variation ID: 1400279). Advanced modeling of protein sequence and biophysical properties (such as structural, functional, and spatial information, amino acid conservation, physicochemical variation, residue mobility, and thermodynamic stability) performed at Invitae indicates that this missense variant is expected to disrupt COL1A1 protein function with a positive predictive value of 95%. This variant disrupts the triple helix domain of COL1A1. Glycine residues within the Gly-Xaa-Yaa repeats of the triple helix domain are required for the structure and stability of fibrillar collagens (PMID: 7695699, 8218237, 19344236). In COL1A1, variants affecting these glycine residues are significantly enriched in individuals with disease (PMID: 9016532, 17078022) compared to the general population (ExAC). For these reasons, this variant has been classified as Pathogenic.

Literature cited by the submitters: PubMed 24668929; PubMed 7695699; PubMed 8218237; PubMed 19344236; PubMed 9016532; PubMed 17078022.

NM_000088.4(COL1A1):c.626G>A (p.Gly209Asp)

Gene: COL1A1 (collagen type I alpha 1 chain; minus strand). Cytogenetic location: 17q21.33.
Variant type: single nucleotide variant.
Coding change: c.626G>A on transcript NM_000088.4 (MANE Select); coding-DNA position 626, G replaced by A.
Protein change: p.Gly209Asp; replaces glycine 209 with aspartic acid.
Molecular consequence: missense variant.
Genome position (GRCh38, 1-based): chr17:50,197,965, C>T on the plus strand (G>A on the coding strand, the complement: COL1A1 is on the minus strand). VCF-style: chr17-50197965-C-T. GRCh37 (hg19) VCF-style: chr17-48275326-C-T.
Other names: short protein forms G209D.
Identifiers: ClinVar variation 1400279 (VCV001400279.6), dbSNP rs1907746069, ClinGen allele CA400225122.